The following is an entry in ClinVar:

NM_000083.3(CLCN1):c.*30G>A

Gene: CLCN1 (chloride voltage-gated channel 1; plus strand). Cytogenetic location: 7q34.
Variant type: single nucleotide variant.
Coding change: c.*30G>A on transcript NM_000083.3 (MANE Select); 30 bases downstream of the stop codon, G replaced by A.
Molecular consequence: 3 prime UTR variant. On other transcripts: non-coding transcript variant (1).
Genome position (GRCh38, 1-based): chr7:143,351,995, G>A. VCF-style: chr7-143351995-G-A. GRCh37 (hg19) VCF-style: chr7-143049088-G-A.
Identifiers: ClinVar variation 911028 (VCV000911028.4), dbSNP rs368898705, ClinGen allele CA4537833.
Genomic context (GRCh38, chr7:143,351,995, plus strand): 5'-CGAGGAGGATGAGGATGAACTGATCCTTTGACCCCCTCCCACGACCTCCTCATAAAGACC[G>A]TGGAGAGGCCCAGCCTGAGGGTGAACTTGTGTGGGGCAGGGTGCGTCCTGAATGTGGCGA-3'

ClinVar aggregate classification (germline): Likely benign (1 of 4 stars; one submission).

Conditions:
Batten-Turner congenital myopathy. Also called: Congenital myotonia. Identifiers: Orphanet 206973, MedGen C0027127, MONDO:0100468, OMIM 255300.

Allele frequency attached by ClinVar (database versions not stated): gnomAD 0.00010 and 0.00013; gnomAD exomes 0.00013 and 0.00028; TOPMed 0.00012; 1000 Genomes Project 30x 0.00016; 1000 Genomes Project 0.00020; ExAC 0.00007; ESP Exome Variant Server 0.00008.
gnomAD v4.1: 427 of 1,612,224 alleles (0.026%); highest among the groups gnomAD compares: Non-Finnish European, 0.034%; no homozygotes.

Submission:

Illumina Laboratory Services, Illumina
Classification: Likely benign for Myotonia congenita. Last evaluated: 2018-01-12. Review status: criteria provided, single submitter. Criteria: ICSL Variant Classification Criteria 13 December 2019. Collection method: clinical testing. Allele origin: germline.
Comment: This variant was observed in the ICSL laboratory as part of a predisposition screen in an ostensibly healthy population. It had not been previously curated by ICSL or reported in the Human Gene Mutation Database (HGMD: prior to June 1st, 2018), and was therefore a candidate for classification through an automated scoring system. Utilizing variant allele frequency, disease prevalence and penetrance estimates, and inheritance mode, an automated score was calculated to assess if this variant is too frequent to cause the disease. Based on the score and internal cut-off values, a variant classified as likely benign is not then subjected to further curation. The score for this variant resulted in a classification of likely benign for this disease.